The following is an entry in ClinVar:

ClinVar aggregate classification (germline): Benign. Review status: criteria provided, multiple submitters, no conflicts (2 of 4 stars). 3 submissions from 3 submitters: Benign (2). 1 of the submissions does not count toward it. Last evaluated 2018-06-19.

Allele frequency attached by ClinVar (database versions not stated): ESP Exome Variant Server 0.26688; gnomAD 0.27231 and 0.27683; TOPMed 0.27414; ExAC 0.28269; 1000 Genomes Project 30x 0.34916; 1000 Genomes Project 0.35144.

Submissions (3):

GeneDx
Classification: Benign. Last evaluated: 2018-06-19. Review status: criteria provided, single submitter. Criteria: GeneDx Variant Classification (06012015). Collection method: clinical testing. Allele origin: germline. Affected: yes.
Comment: This variant is considered likely benign or benign based on one or more of the following criteria: it is a conservative change, it occurs at a poorly conserved position in the protein, it is predicted to be benign by multiple in silico algorithms, and/or has population frequency not consistent with disease.

Breakthrough Genomics
Classification: Benign. Review status: criteria provided, single submitter. Criteria: ACMG Guidelines, 2015. Collection method: not provided. Allele origin: germline. Inheritance: Autosomal recessive inheritance. Affected: yes.

Mayo Clinic Laboratories, Mayo Clinic
Classification: Benign. Last evaluated: 2015-10-22. Review status: no assertion criteria provided. Collection method: clinical testing. Allele origin: unknown. Not counted in ClinVar's aggregate classification.

NM_002087.4(GRN):c.462+24G>A

Gene: GRN (granulin precursor; plus strand). Cytogenetic location: 17q21.31.
Variant type: single nucleotide variant.
Coding change: c.462+24G>A on transcript NM_002087.4 (MANE Select); 24 bases into the intron after coding-DNA position 462, G replaced by A.
Molecular consequence: intron variant.
Genome position (GRCh38, 1-based): chr17:44,350,364, G>A. VCF-style: chr17-44350364-G-A. GRCh37 (hg19) VCF-style: chr17-42427732-G-A.
Identifiers: ClinVar variation 558917 (VCV000558917.7), dbSNP rs850713, ClinGen allele CA8601892.